The following is an entry in ClinVar:

ClinVar aggregate classification (germline): Pathogenic (1 of 4 stars; one submission).

Conditions:
Hereditary cancer-predisposing syndrome. Also called: Neoplastic Syndromes, Hereditary; Tumor predisposition; Hereditary neoplastic syndrome; Hereditary Cancer Syndrome. Identifiers: Orphanet 140162, MedGen C0027672, MeSH D009386, MONDO:0015356.
Cardiovascular phenotype. Identifiers: MedGen CN230736.

Submission:

Ambry Genetics
Classification: Pathogenic for Cardiovascular phenotype; Hereditary cancer-predisposing syndrome. Last evaluated: 2023-08-07. Review status: criteria provided, single submitter. Criteria: Ambry Variant Classification Scheme 2023. Collection method: clinical testing. Allele origin: germline.
Comment: The c.2159delT pathogenic mutation, located in coding exon 18 of the LZTR1 gene, results from a deletion of one nucleotide at nucleotide position 2159, causing a translational frameshift with a predicted alternate stop codon (p.F720Sfs*47). This alteration is expected to result in loss of function by premature protein truncation or nonsense-mediated mRNA decay. Loss-of-function variants in LZTR1 are related to an increased risk for schwannomas and autosomal recessive Noonan syndrome; however, such associations with autosomal dominant Noonan syndrome have not been observed (Piotrowski A et al. Nat Genet. 2014 Feb;46:182-7; Yamamoto GL et al. J Med Genet. 2015 Jun;52:413-21; Johnston JJ et al. Genet Med. 2018 10;20:1175-1185). Based on the supporting evidence, this variant is pathogenic for an increased risk of LZTR1-related schwannomatosis (SWN) and would be expected to cause autosomal recessive Noonan syndrome when present along with a second pathogenic or likely pathogenic variant on the other allele; however, the association of this alteration with autosomal dominant Noonan syndrome is unlikely.

NM_006767.4(LZTR1):c.2159del (p.Phe720fs)

Gene: LZTR1 (leucine zipper like post translational regulator 1; plus strand). Cytogenetic location: 22q11.21.
Variant type: Deletion.
Coding change: c.2159del on transcript NM_006767.4 (MANE Select); coding-DNA position 2159, one base deleted (T; older notation c.2159delT).
Protein change: p.Phe720fs; shifts the reading frame from phenylalanine 720.
Molecular consequence: frameshift variant.
Genome position (GRCh38, 1-based): chr22:20,996,052, T deleted; the last of 2 consecutive T bases (chr22:20,996,051-20,996,052); deleting either gives the same sequence. VCF-style (leftmost placement, unchanged base first): chr22-20996050-CT-C. GRCh37 (hg19) VCF-style: chr22-21350339-CT-C.
Other names: short protein forms F720fs.
Identifiers: ClinVar variation 3238210 (VCV003238210.1), dbSNP rs1924832357.